The following is an entry in ClinVar:

ClinVar aggregate classification (germline): Pathogenic (1 of 4 stars; one submission).

Conditions:
Congenital myasthenic syndrome 11. Also called: Myasthenic syndrome, congenital, 11, associated with acetylcholine receptor deficiency; MYASTHENIC SYNDROME, CONGENITAL, Ie. Identifiers: Orphanet 590, MedGen C4225367, MONDO:0014588, OMIM 616326.

Submission:

Equipe Genetique des Anomalies du Developpement, Université de Bourgogne
Classification: Pathogenic for Congenital myasthenic syndrome 11. Last evaluated: 2023-03-29. Review status: criteria provided, single submitter. Criteria: ACMG Guidelines, 2015. Collection method: clinical testing. Allele origin: paternal. Inheritance: Autosomal recessive inheritance. Affected: yes.
Comment: This variant was observed in compound heterozygosity with variant c.264C>A

NM_005055.5(RAPSN):c.123del (p.Arg42fs)

Gene: RAPSN (receptor associated protein of the synapse; minus strand). Cytogenetic location: 11p11.2.
Variant type: Deletion.
Coding change: c.123del on transcript NM_005055.5 (MANE Select); coding-DNA position 123, one base deleted (G; older notation c.123delG).
Protein change: p.Arg42fs; shifts the reading frame from arginine 42.
Molecular consequence: frameshift variant.
Genome position (GRCh38, 1-based): chr11:47,448,842, C deleted on the plus strand (G on the coding strand, the reverse complement: RAPSN is on the minus strand); the first of 4 consecutive C bases (chr11:47,448,842-47,448,845); deleting any one gives the same sequence. VCF-style (leftmost placement, unchanged base first): chr11-47448841-GC-G. GRCh37 (hg19) VCF-style: chr11-47470393-GC-G.
Other names: c.123del, p.Arg42fs (NM_032645.5); short protein forms R42fs.
Identifiers: ClinVar variation 2500291 (VCV002500291.1), dbSNP rs2496137457, ClinGen allele CA2580084297.
Genomic context (GRCh38, chr11:47,448,841, plus strand): 5'-TCTCCTTGTAGCGGCCCATCTCCGAGTGGGCTGTGACCAGGCAGCCCAGCACGCGGAAGC[GC>G]CCCATGAGGTCCGAGCTCTTCTCCAGCACCTTTGTCCACACCTGCAATGCCTTCTCTGTC-3'